The following is an entry in ClinVar:

NM_001283009.2(RTEL1):c.1661A>G (p.Tyr554Cys)

Genes: RTEL1-TNFRSF6B (RTEL1-TNFRSF6B readthrough (NMD candidate); plus strand), RTEL1 (regulator of telomere elongation helicase 1; plus strand). Cytogenetic location: 20q13.33.
Variant type: single nucleotide variant.
Coding change: c.1661A>G on transcript NM_001283009.2 (MANE Select); coding-DNA position 1661, A replaced by G.
Protein change: p.Tyr554Cys; replaces tyrosine 554 with cysteine.
Molecular consequence: missense variant. On other transcripts: non-coding transcript variant (1).
Genome position (GRCh38, 1-based): chr20:63,688,325, A>G. VCF-style: chr20-63688325-A-G. GRCh37 (hg19) VCF-style: chr20-62319678-A-G.
Other names: c.992A>G, p.Tyr331Cys (NM_001283010.1); c.1661A>G, p.Tyr554Cys (NM_016434.4); c.1733A>G, p.Tyr578Cys (NM_032957.5); c.1733A>G (NM_032957.4); short protein forms Y578C, Y331C, Y554C.
Identifiers: ClinVar variation 1391061 (VCV001391061.8), dbSNP rs1046172136, ClinGen allele CA317511153.

ClinVar aggregate classification (germline): Conflicting classifications of pathogenicity. Review status: criteria provided, conflicting classifications (1 of 4 stars). 2 submissions from 2 submitters: Uncertain significance (1); Likely benign (1). Last evaluated 2024-03-18.

Conditions:
Dyskeratosis congenita, autosomal recessive 5 (DKCB5). Identifiers: MedGen C3554656, MONDO:0014076, OMIM 615190.
Pulmonary fibrosis and/or bone marrow failure, Telomere-related, 3. Also called: PULMONARY FIBROSIS AND/OR BONE MARROW FAILURE SYNDROME, TELOMERE-RELATED, 3. Identifiers: Orphanet 2032, MedGen C4225346, MONDO:0014613, OMIM 616373.
Inborn genetic diseases. Identifiers: MedGen C0950123, MeSH D030342.

Allele frequency attached by ClinVar (database versions not stated): gnomAD 0.00002; gnomAD exomes 0.00002; TOPMed 0.00002.
gnomAD v4.1: 15 of 1,612,352 alleles (0.00093%); highest among the groups gnomAD compares: South Asian, 0.0044%; no homozygotes.

Submissions (2):

Ambry Genetics
Classification: Likely benign for Inborn genetic diseases. Last evaluated: 2024-03-18. Review status: criteria provided, single submitter. Criteria: Ambry Variant Classification Scheme 2023. Collection method: clinical testing. Allele origin: germline.

Labcorp Genetics (formerly Invitae), Labcorp
Classification: Uncertain significance for Dyskeratosis congenita, autosomal recessive 5; Pulmonary fibrosis and/or bone marrow failure, Telomere-related, 3. Last evaluated: 2024-03-14. Review status: criteria provided, single submitter. Criteria: Invitae Variant Classification Sherloc (09022015). Collection method: clinical testing. Allele origin: germline.
Comment: This sequence change replaces tyrosine, which is neutral and polar, with cysteine, which is neutral and slightly polar, at codon 554 of the RTEL1 protein (p.Tyr554Cys). This variant is present in population databases (no rsID available, gnomAD 0.006%). This variant has not been reported in the literature in individuals affected with RTEL1-related conditions. ClinVar contains an entry for this variant (Variation ID: 1391061). Algorithms developed to predict the effect of missense changes on protein structure and function output the following: SIFT: "Not Available"; PolyPhen-2: "Benign"; Align-GVGD: "Not Available". The cysteine amino acid residue is found in multiple mammalian species, which suggests that this missense change does not adversely affect protein function. In summary, the available evidence is currently insufficient to determine the role of this variant in disease. Therefore, it has been classified as a Variant of Uncertain Significance.